The following is an entry in ClinVar:

ClinVar aggregate classification (germline): Uncertain significance (1 of 4 stars; one submission).

Submission:

GeneDx
Classification: Uncertain significance. Last evaluated: 2025-04-03. Review status: criteria provided, single submitter. Criteria: GeneDx Variant Classification Process June 2021. Collection method: clinical testing. Allele origin: germline. Affected: yes.
Comment: Not observed at significant frequency in large population cohorts (gnomAD); In silico analysis indicates that this missense variant does not alter protein structure/function; Has not been previously published as pathogenic or benign to our knowledge

NM_001122659.3(EDNRB):c.519G>A (p.Met173Ile)

Genes: EDNRB (endothelin receptor type B; minus strand), EDNRB-AS1 (EDNRB antisense RNA 1; plus strand). Cytogenetic location: 13q22.3.
Variant type: single nucleotide variant.
Coding change: c.519G>A on transcript NM_001122659.3 (MANE Select); coding-DNA position 519, G replaced by A.
Protein change: p.Met173Ile; replaces methionine 173 with isoleucine.
Molecular consequence: missense variant.
Genome position (GRCh38, 1-based): chr13:77,903,572, C>T on the plus strand (G>A on the coding strand, the complement: EDNRB is on the minus strand). VCF-style: chr13-77903572-C-T. GRCh37 (hg19) VCF-style: chr13-78477707-C-T.
Other names: c.519G>A, p.Met173Ile (NM_000115.5, NM_003991.4); c.789G>A, p.Met263Ile (NM_001201397.2); short protein forms M173I, M263I.
Identifiers: ClinVar variation 4278645 (VCV004278645.1).